The following is an entry in ClinVar:

NM_153240.5(NPHP3):c.1240C>G (p.Gln414Glu)

Genes: NPHP3 (nephrocystin 3; minus strand), NPHP3-ACAD11 (NPHP3-ACAD11 readthrough (NMD candidate); minus strand). Cytogenetic location: 3q22.1.
Variant type: single nucleotide variant.
Coding change: c.1240C>G on transcript NM_153240.5 (MANE Select); coding-DNA position 1240, C replaced by G.
Protein change: p.Gln414Glu; replaces glutamine 414 with glutamic acid.
Molecular consequence: missense variant. On other transcripts: non-coding transcript variant (1).
Genome position (GRCh38, 1-based): chr3:132,708,136, G>C on the plus strand (C>G on the coding strand, the complement: NPHP3 is on the minus strand). VCF-style: chr3-132708136-G-C. GRCh37 (hg19) VCF-style: chr3-132426980-G-C.
Other names: short protein forms Q414E.
Identifiers: ClinVar variation 1496407 (VCV001496407.9), dbSNP rs373255520, ClinGen allele CA2622368.

ClinVar aggregate classification (germline): Uncertain significance. Review status: criteria provided, multiple submitters, no conflicts (2 of 4 stars). 2 submissions from 2 submitters: Uncertain significance (2). Last evaluated 2025-12-15.

Conditions:
Nephronophthisis. Also called: Juvenile Nephronophthisis. Identifiers: Orphanet 655, MedGen C0687120, MONDO:0019005, HP:0000090.
Renal-hepatic-pancreatic dysplasia 1 (RHPD1). Identifiers: MedGen C3715199, MONDO:0008833, OMIM 208540.
Nephronophthisis 3 (NPHP3). Also called: Adolescent nephronophthisis. Identifiers: Orphanet 655, MedGen C1858392, MONDO:0011456, OMIM 604387.
NPHP3-related Meckel-like syndrome. Also called: Meckel syndrome type 7; GOLDSTON SYNDROME. Identifiers: Orphanet 3032, MedGen C2673885, MONDO:0009966, OMIM 267010.

Allele frequency attached by ClinVar (database versions not stated): gnomAD exomes below 0.00001; ExAC 0.00002; TOPMed 0.00003; gnomAD 0.00005 and 0.00006; ESP Exome Variant Server 0.00008.
gnomAD v4.1: 10 of 1,614,022 alleles (0.00062%); highest among the groups gnomAD compares: African/African-American, 0.0093%; no homozygotes.

Submissions (2):

Labcorp Genetics (formerly Invitae), Labcorp
Classification: Uncertain significance for Nephronophthisis. Last evaluated: 2025-12-15. Review status: criteria provided, single submitter. Criteria: Invitae Variant Classification Sherloc (09022015). Collection method: clinical testing. Allele origin: germline.
Comment: This sequence change replaces glutamine, which is neutral and polar, with glutamic acid, which is acidic and polar, at codon 414 of the NPHP3 protein (p.Gln414Glu). This variant is present in population databases (rs373255520, gnomAD 0.02%). This variant has not been reported in the literature in individuals affected with NPHP3-related conditions. ClinVar contains an entry for this variant (Variation ID: 1496407). Invitae Evidence Modeling of protein sequence and biophysical properties (such as structural, functional, and spatial information, amino acid conservation, physicochemical variation, residue mobility, and thermodynamic stability) indicates that this missense variant is not expected to disrupt NPHP3 protein function with a negative predictive value of 80%. In summary, the available evidence is currently insufficient to determine the role of this variant in disease. Therefore, it has been classified as a Variant of Uncertain Significance.

Fulgent Genetics
Classification: Uncertain significance for Renal-hepatic-pancreatic dysplasia 1; NPHP3-related Meckel-like syndrome; Nephronophthisis 3. Last evaluated: 2024-04-16. Review status: criteria provided, single submitter. Criteria: ACMG Guidelines, 2015. Collection method: clinical testing. Allele origin: germline.